The following is an entry in ClinVar:

ClinVar aggregate classification (germline): Uncertain significance (0 of 4 stars; one submission).

Submission:

ISCA site 1
Classification: Uncertain significance. Last evaluated: 2011-05-06. Review status: no assertion criteria provided. Collection method: clinical testing. Allele origin: maternal. Affected: yes. Observed: 1 variant allele.
Comment: Copy number variation identified through the course of routine clinical cytogenomic testing in postnatal populations. Clinical assertions have been curated as described in Kaminsky et al. 2011.

Copy number variation identified through the course of routine clinical cytogenomic testing in postnatal populations. Clinical assertions have been curated as described in Kaminsky, et al. 2011 (PubMed 21844811). For additional ClinGen data, please see nstd37.

GRCh38/hg38 19p12(chr19:21591877-22802732)x3

Genes: ZNF100 (zinc finger protein 100; minus strand), LINC01233 (long intergenic non-protein coding RNA 1233; plus strand), LINC01785 (long intergenic non-protein coding RNA 1785; minus strand), ZNF208 (zinc finger protein 208; minus strand), ZNF257 (zinc finger protein 257; plus strand) and 10 more. Cytogenetic location: 19p12.
Variant type: copy number gain.
Change: copy number 3 (three copies instead of two) of chr19:21,591,877-22,802,732 (1.21 Mb, GRCh38 coordinates, 1-based), cytogenetic band 19p12.
Identifiers: ClinVar variation 146475 (VCV000146475.2).